The following is an entry in ClinVar:

NM_005559.4(LAMA1):c.3363+9C>T

Gene: LAMA1 (laminin subunit alpha 1; minus strand). Cytogenetic location: 18p11.31.
Variant type: single nucleotide variant.
Coding change: c.3363+9C>T on transcript NM_005559.4 (MANE Select); 9 bases into the intron after coding-DNA position 3363, C replaced by T.
Molecular consequence: intron variant.
Genome position (GRCh38, 1-based): chr18:7,013,806, G>A on the plus strand (C>T on the coding strand, the complement: LAMA1 is on the minus strand). VCF-style: chr18-7013806-G-A. GRCh37 (hg19) VCF-style: chr18-7013805-G-A.
Identifiers: ClinVar variation 714742 (VCV000714742.12), dbSNP rs200796194, ClinGen allele CA8882323.

ClinVar aggregate classification (germline): Benign/Likely benign. Review status: criteria provided, multiple submitters, no conflicts (2 of 4 stars). 3 submissions from 3 submitters: Benign (1); Likely benign (2). Last evaluated 2026-08-05.

Conditions:
LAMA1-related disorder. Also called: LAMA1-related disorders; LAMA1-related condition.

Allele frequency attached by ClinVar (database versions not stated): gnomAD exomes 0.00014 and 0.00037; ExAC 0.00053; ESP Exome Variant Server 0.00115; gnomAD 0.00130 and 0.00131; TOPMed 0.00148; 1000 Genomes Project 0.00300; 1000 Genomes Project 30x 0.00344.
gnomAD v4.1: 412 of 1,610,148 alleles (0.026%); highest among the groups gnomAD compares: African/African-American, 0.48%; 1 homozygote.

Submissions (3):

PreventionGenetics, part of Exact Sciences
Classification: Likely benign for LAMA1-related condition. Last evaluated: 2026-08-05. Review status: criteria provided, single submitter. Criteria: ACMG Guidelines, 2015. Collection method: clinical testing. Allele origin: germline.
Comment: This variant is classified as likely benign based on ACMG/AMP sequence variant interpretation guidelines (Richards et al. 2015 PMID: 25741868, with internal and published modifications).

Labcorp Genetics (formerly Invitae), Labcorp
Classification: Benign. Last evaluated: 2025-10-16. Review status: criteria provided, single submitter. Criteria: Invitae Variant Classification Sherloc (09022015). Collection method: clinical testing. Allele origin: germline.

Blueprint Genetics
Classification: Likely benign. Last evaluated: 2024-06-18. Review status: criteria provided, single submitter. Criteria: ACMG Guidelines, 2015. Collection method: clinical testing. Allele origin: germline.